The following is an entry in ClinVar:

ClinVar aggregate classification (germline): Uncertain significance (1 of 4 stars; one submission).

Submission:

GeneDx
Classification: Uncertain significance. Last evaluated: 2022-11-07. Review status: criteria provided, single submitter. Criteria: GeneDx Variant Classification Process June 2021. Collection method: clinical testing. Allele origin: germline. Affected: yes.
Comment: Not observed at significant frequency in large population cohorts (gnomAD); In silico analysis supports that this missense variant has a deleterious effect on protein structure/function; Has not been previously published as pathogenic or benign to our knowledge; Variants in candidate genes are classified as variants of uncertain significance in accordance with ACMG guidelines (Richards et al., 2015)

NM_030624.3(KLHL15):c.826C>T (p.Arg276Cys)

Gene: KLHL15 (kelch like family member 15; minus strand). Cytogenetic location: Xp22.11.
Variant type: single nucleotide variant.
Coding change: c.826C>T on transcript NM_030624.3 (MANE Select); coding-DNA position 826, C replaced by T.
Protein change: p.Arg276Cys; replaces arginine 276 with cysteine.
Molecular consequence: missense variant.
Genome position (GRCh38, 1-based): chrX:23,988,910, G>A on the plus strand (C>T on the coding strand, the complement: KLHL15 is on the minus strand). VCF-style: chrX-23988910-G-A. GRCh37 (hg19) VCF-style: chrX-24007027-G-A.
Other names: short protein forms R276C.
Identifiers: ClinVar variation 2501908 (VCV002501908.1), dbSNP rs2518904398, ClinGen allele CA412592834.